The following is an entry in ClinVar:

NM_206933.4(USH2A):c.3686T>G (p.Leu1229Ter)

Genes: USH2A (usherin; minus strand), USH2A-AS1 (USH2A antisense RNA 1; plus strand). Cytogenetic location: 1q41.
Variant type: single nucleotide variant.
Coding change: c.3686T>G on transcript NM_206933.4 (MANE Select); coding-DNA position 3686, T replaced by G.
Protein change: p.Leu1229Ter; replaces leucine 1229 with a stop codon.
Molecular consequence: nonsense.
Genome position (GRCh38, 1-based): chr1:216,199,752, A>C on the plus strand (T>G on the coding strand, the complement: USH2A is on the minus strand). VCF-style: chr1-216199752-A-C. GRCh37 (hg19) VCF-style: chr1-216373094-A-C.
Other names: c.3686T>G, p.Leu1229Ter (NM_007123.6); short protein forms L1229*.
Identifiers: ClinVar variation 873464 (VCV000873464.13), dbSNP rs2034938852, ClinGen allele CA344867902.

ClinVar aggregate classification (germline): Pathogenic/Likely pathogenic. Review status: criteria provided, multiple submitters, no conflicts (2 of 4 stars). 8 submissions from 7 submitters: Pathogenic (5); Likely pathogenic (3). Last evaluated 2025-10-10.

Conditions:
Usher syndrome type 2A. Also called: RETINAL DISEASE IN USHER SYNDROME TYPE IIA, MODIFIER OF; USHER SYNDROME, TYPE IIA. Identifiers: Orphanet 231178, Orphanet 886, MedGen C1848634, MONDO:0010169, OMIM 276901.
USH2A-related disorder. Also called: USH2A-related condition; USH2A-related disorders. Identifiers: MedGen CN239332.
Retinitis pigmentosa 39 (RP39). Identifiers: Orphanet 791, MedGen C3151138, MONDO:0013436, OMIM 613809.

gnomAD v4.1: 2 of 1,614,122 alleles (0.00012%); highest among the groups gnomAD compares: African/African-American, 0.0013%; no homozygotes.

Submissions (8):

Natera, Inc.
Classification: Pathogenic for Usher syndrome type 2A. Last evaluated: 2025-10-10. Review status: criteria provided, single submitter. Criteria: Natera Variant Classification Schema (03/2026). Collection method: clinical testing. Allele origin: germline.
Comment: The c.3686T>G variant in USH2A is a nonsense variant predicted to introduce a stop codon at amino acid 1229. This variant is expected to result in nonsense mediated decay, truncation, or a dysfunctional protein product. This variant is rare in the general population with a frequency below the threshold expected for the associated phenotype(s). This variant has been observed in one or more individuals affected with the associated recessive disease, as either homozygous or compound heterozygous with a second variant (PMID: 32853555). Given the available evidence, this variant is classified as Pathogenic.

Labcorp Genetics (formerly Invitae), Labcorp
Classification: Pathogenic. Last evaluated: 2025-02-26. Review status: criteria provided, single submitter. Criteria: Invitae Variant Classification Sherloc (09022015). Collection method: clinical testing. Allele origin: germline.
Comment: This sequence change creates a premature translational stop signal (p.Leu1229*) in the USH2A gene. It is expected to result in an absent or disrupted protein product. Loss-of-function variants in USH2A are known to be pathogenic (PMID: 10729113, 10909849, 20507924, 25649381). This variant is not present in population databases (gnomAD no frequency). This variant has not been reported in the literature in individuals affected with USH2A-related conditions. ClinVar contains an entry for this variant (Variation ID: 873464). For these reasons, this variant has been classified as Pathogenic.

Fulgent Genetics
Classification: Pathogenic for Usher syndrome type 2A; Retinitis pigmentosa 39. Last evaluated: 2024-03-18. Review status: criteria provided, single submitter. Criteria: ACMG Guidelines, 2015. Collection method: clinical testing. Allele origin: germline.

Genome-Nilou Lab
Classification: Likely pathogenic for Retinitis pigmentosa 39. Last evaluated: 2023-11-04. Review status: criteria provided, single submitter. Criteria: ACMG Guidelines, 2015. Collection method: clinical testing. Allele origin: germline. Affected: no.

Genome-Nilou Lab
Classification: Likely pathogenic for Usher syndrome type 2A. Last evaluated: 2023-11-04. Review status: criteria provided, single submitter. Criteria: ACMG Guidelines, 2015. Collection method: clinical testing. Allele origin: germline. Affected: no.

Blueprint Genetics
Classification: Pathogenic for USH2A-related disorders. Last evaluated: 2022-11-23. Review status: criteria provided, single submitter. Criteria: ACMG Guidelines, 2015. Collection method: clinical testing. Allele origin: germline. Affected: yes. Observed: 2 variant alleles.

Baylor Genetics
Classification: Pathogenic for Retinitis pigmentosa 39. Last evaluated: 2022-05-28. Review status: criteria provided, single submitter. Criteria: ACMG Guidelines, 2015. Collection method: clinical testing. Allele origin: unknown.

UNC Molecular Genetics  Laboratory, University of North Carolina at Chapel Hill
Classification: Likely pathogenic for USH2A-Related Disorders. Review status: criteria provided, single submitter. Criteria: ACMG Guidelines, 2015. Collection method: research. Allele origin: maternal. Affected: yes. Observed: 1 variant allele. Study: NSIGHT-NC NEXUS.
Comment: The USH2A c.3686T>G (p.L1229*) variant is an apparently novel nonsense variant predicted to result in premature protein truncation and/or nonsense-mediated decay. While this particular variant has not been seen previously in affected individuals, other truncating variants are known to be disease-causing with regards to Usher syndrome type 2.

Literature cited by the submitters: PubMed 32853555 (cited by Natera, Inc.); PubMed 10729113 (cited by Labcorp Genetics (formerly Invitae), Labcorp); PubMed 10909849 (cited by Labcorp Genetics (formerly Invitae), Labcorp); PubMed 20507924 (cited by Labcorp Genetics (formerly Invitae), Labcorp); PubMed 25649381 (cited by Labcorp Genetics (formerly Invitae), Labcorp); PubMed 20301515 (cited by UNC Molecular Genetics  Laboratory, University of North Carolina at Chapel Hill).